The following is an entry in ClinVar:

NM_016734.3(PAX5):c.895T>C (p.Tyr299His)

Gene: PAX5 (paired box 5; minus strand). Cytogenetic location: 9p13.2.
Variant type: single nucleotide variant.
Coding change: c.895T>C on transcript NM_016734.3 (MANE Select); coding-DNA position 895, T replaced by C.
Protein change: p.Tyr299His; replaces tyrosine 299 with histidine.
Molecular consequence: missense variant. On other transcripts: intron variant (2).
Genome position (GRCh38, 1-based): chr9:36,923,370, A>G on the plus strand (T>C on the coding strand, the complement: PAX5 is on the minus strand). VCF-style: chr9-36923370-A-G. GRCh37 (hg19) VCF-style: chr9-36923367-A-G.
Other names: c.895T>C, p.Tyr299His (NM_001280547.2, NM_001280548.2, NM_001280552.2); c.571T>C, p.Tyr191His (NM_001280551.2, NM_001280556.2); c.766T>C, p.Tyr256His (NM_001280553.2, NM_001280554.2); c.697T>C, p.Tyr233His (NM_001280555.2); c.780+43179T>C (NM_001280550.2, NM_001280549.2); short protein forms Y233H, Y256H, Y191H, Y299H.
Identifiers: ClinVar variation 3928315 (VCV003928315.1).

ClinVar aggregate classification (germline): Uncertain significance (1 of 4 stars; one submission).

Conditions:
Inborn genetic diseases. Identifiers: MedGen C0950123, MeSH D030342.

Submission:

Ambry Genetics
Classification: Uncertain significance for Inborn genetic diseases. Last evaluated: 2025-05-04. Review status: criteria provided, single submitter. Criteria: Ambry Variant Classification Scheme 2023. Collection method: clinical testing. Allele origin: germline.
Comment: The p.Y299H variant (also known as c.895T>C), located in coding exon 7 of the PAX5 gene, results from a T to C substitution at nucleotide position 895. The tyrosine at codon 299 is replaced by histidine, an amino acid with similar properties. This amino acid position is conserved. In addition, this alteration is predicted to be deleterious by in silico analysis. Based on the available evidence, the clinical significance of this variant remains unclear.